The following is an entry in ClinVar:

NM_001042492.3(NF1):c.3015G>A (p.Met1005Ile)

Gene: NF1 (neurofibromin 1; plus strand). Cytogenetic location: 17q11.2.
Variant type: single nucleotide variant.
Coding change: c.3015G>A on transcript NM_001042492.3 (MANE Select); coding-DNA position 3015, G replaced by A.
Protein change: p.Met1005Ile; replaces methionine 1005 with isoleucine.
Molecular consequence: missense variant.
Genome position (GRCh38, 1-based): chr17:31,230,284, G>A. VCF-style: chr17-31230284-G-A. GRCh37 (hg19) VCF-style: chr17-29557302-G-A.
Other names: c.3015G>A, p.Met1005Ile (NM_000267.4); short protein forms M1005I.
Identifiers: ClinVar variation 3404755 (VCV003404755.2).

ClinVar aggregate classification (germline): Uncertain significance (1 of 4 stars; one submission).

Conditions:
Hereditary cancer-predisposing syndrome. Also called: Tumor predisposition; Hereditary Cancer Syndrome; Hereditary neoplastic syndrome; Neoplastic Syndromes, Hereditary. Identifiers: Orphanet 140162, MedGen C0027672, MeSH D009386, MONDO:0015356.
Cardiovascular phenotype. Identifiers: MedGen CN230736.

Submission:

Ambry Genetics
Classification: Uncertain significance for Cardiovascular phenotype; Hereditary cancer-predisposing syndrome. Last evaluated: 2026-07-06. Review status: criteria provided, single submitter. Criteria: Ambry Variant Classification Scheme 2023. Collection method: clinical testing. Allele origin: germline.
Comment: The p.M1005I variant (also known as c.3015G>A), located in coding exon 23 of the NF1 gene, results from a G to A substitution at nucleotide position 3015. The methionine at codon 1005 is replaced by isoleucine, an amino acid with highly similar properties. This amino acid position is conserved. In addition, this alteration is predicted to be tolerated by in silico analysis. Based on the available evidence, the clinical significance of this variant remains unclear.